The following is an entry in ClinVar:

ClinVar aggregate classification (germline): Uncertain significance (1 of 4 stars; one submission).

Submission:

Labcorp Genetics (formerly Invitae), Labcorp
Classification: Uncertain significance. Last evaluated: 2022-07-10. Review status: criteria provided, single submitter. Criteria: Invitae Variant Classification Sherloc (09022015). Collection method: clinical testing. Allele origin: germline.
Comment: This variant is a gross deletion of the genomic region encompassing exon(s) 16-17 of the CTNNA1 gene. While this deletion is not anticipated to lead to nonsense mediated decay, it is expected to disrupt the C-terminus of the protein. In summary, the available evidence is currently insufficient to determine the role of this variant in disease. Therefore, it has been classified as a Variant of Uncertain Significance. Experimental studies and prediction algorithms are not available or were not evaluated, and the functional significance of this variant is currently unknown. This variant has not been reported in the literature in individuals affected with CTNNA1-related conditions.

NC_000005.9:g.(?_138266509)_(138268411_?)del

Gene: CTNNA1 (catenin alpha 1; plus strand). Cytogenetic location: 5q31.2.
Variant type: Deletion.
Identifiers: ClinVar variation 2424303 (VCV002424303.3).